The following is an entry in ClinVar:

ClinVar aggregate classification (germline): Benign/Likely benign. Review status: criteria provided, multiple submitters, no conflicts (2 of 4 stars). 3 submissions from 3 submitters: Benign (1); Likely benign (2). Last evaluated 2024-08-22.

Conditions:
Hereditary cancer-predisposing syndrome. Also called: Hereditary neoplastic syndrome; Hereditary Cancer Syndrome; Tumor predisposition; Neoplastic Syndromes, Hereditary. Identifiers: Orphanet 140162, MedGen C0027672, MeSH D009386, MONDO:0015356.
Fanconi anemia complementation group J. Also called: BRIP1-Related Fanconi Anemia. Identifiers: Orphanet 84, MedGen C1836860, MONDO:0012187, OMIM 609054.
Familial cancer of breast. Also called: hereditary breast carcinoma; BREAST CANCER, FAMILIAL; Hereditary breast cancer. Identifiers: Orphanet 227535, MedGen C0346153, MONDO:0016419, OMIM 114480. Disease mechanism: loss of function.

Allele frequency attached by ClinVar (database versions not stated): gnomAD exomes below 0.00001.
gnomAD v4.1: 2 of 1,613,918 alleles (0.00012%); highest among the groups gnomAD compares: Non-Finnish European, 0.00017%; no homozygotes.

Submissions (3):

Myriad Genetics, Inc.
Classification: Benign for Familial cancer of breast. Last evaluated: 2024-08-22. Review status: criteria provided, single submitter. Criteria: Myriad Autosomal Dominant, Autosomal Recessive and X-Linked Classification Criteria (2023). Collection method: clinical testing. Allele origin: unknown.
Comment: This variant is considered benign. This variant is a silent/synonymous amino acid change and it is not expected to impact splicing.

Ambry Genetics
Classification: Likely benign for Hereditary cancer-predisposing syndrome. Last evaluated: 2024-04-05. Review status: criteria provided, single submitter. Criteria: Ambry Variant Classification Scheme 2023. Collection method: clinical testing. Allele origin: germline.

Labcorp Genetics (formerly Invitae), Labcorp
Classification: Likely benign for Familial cancer of breast; Fanconi anemia complementation group J. Last evaluated: 2021-06-13. Review status: criteria provided, single submitter. Criteria: Invitae Variant Classification Sherloc (09022015). Collection method: clinical testing. Allele origin: germline.

NM_032043.3(BRIP1):c.1032G>A (p.Gly344=)

Gene: BRIP1 (BRCA1 interacting DNA helicase 1; minus strand). Cytogenetic location: 17q23.2.
Variant type: single nucleotide variant.
Coding change: c.1032G>A on transcript NM_032043.3 (MANE Select); coding-DNA position 1032, G replaced by A.
Protein change: p.Gly344=; no amino-acid change (glycine 344 retained).
Molecular consequence: synonymous variant.
Genome position (GRCh38, 1-based): chr17:61,801,361, C>T on the plus strand (G>A on the coding strand, the complement: BRIP1 is on the minus strand). VCF-style: chr17-61801361-C-T. GRCh37 (hg19) VCF-style: chr17-59878722-C-T.
Other names: c.1032G>A (NM_032043.2).
Identifiers: ClinVar variation 1666738 (VCV001666738.11), dbSNP rs1468683560, ClinGen allele CA501151918.
Genomic context (GRCh38, chr17:61,801,361, plus strand): 5'-GATGTCAGCATCTTGTATTAGTTCTCGGGCTGTGTAATATGGACAGGCCTTTAGTTTCTT[C>T]CCCAGGCTGACAAGTTCTTCTATATCCCAGGCTTTGCACATCCCTTGGAAAGTCTGTAAT-3'
Protein context (NP_114432.2, residues 334-354): AWDIEELVSL[Gly344=]KKLKACPYYT